The following is an entry in ClinVar:

ClinVar aggregate classification (germline): Uncertain significance. Review status: criteria provided, multiple submitters, no conflicts (2 of 4 stars). 2 submissions from 2 submitters: Uncertain significance (2). Last evaluated 2025-11-01.

Conditions:
Familial hypobetalipoproteinemia 1. Also called: APOB-Related Familial Hypobetalipoproteinemia; Hypobetalipoproteinemia, normotriglyceridemic; Acanthocytosis with hypobetalipoproteinemia. Identifiers: MedGen C4551990, MONDO:0014252, OMIM 615558.
Hypercholesterolemia, autosomal dominant, type B (FHCL2). Also called: APOLIPOPROTEIN B-100, FAMILIAL DEFECTIVE; APOLIPOPROTEIN B-100, FAMILIAL LIGAND-DEFECTIVE; HYPERCHOLESTEROLEMIA, FAMILIAL, DUE TO LIGAND-DEFECTIVE APOLIPOPROTEIN B; Familial Hypercholesterolemia Type B; Familial hypercholesterolemia 2; APOB-Related Familial Hypercholesterolemia, Autosomal Dominant. Identifiers: MedGen C1704417, MONDO:0007751, OMIM 144010.
APOB-related disorder. Also called: APOB-related condition; APOB-related disorders.

Allele frequency attached by ClinVar (database versions not stated): gnomAD exomes below 0.00001; ExAC 0.00001.
gnomAD v4.1: 1 of 1,611,582 alleles (0.000062%); highest among the groups gnomAD compares: Non-Finnish European, 0.000085%; no homozygotes.

Submissions (2):

Labcorp Genetics (formerly Invitae), Labcorp
Classification: Uncertain significance for Familial hypobetalipoproteinemia 1; Hypercholesterolemia, autosomal dominant, type B. Last evaluated: 2025-11-01. Review status: criteria provided, single submitter. Criteria: Invitae Variant Classification Sherloc (09022015). Collection method: clinical testing. Allele origin: germline.
Comment: This sequence change replaces histidine, which is basic and polar, with arginine, which is basic and polar, at codon 4357 of the APOB protein (p.His4357Arg). This variant is present in population databases (rs745849591, gnomAD 0.0009%). This variant has not been reported in the literature in individuals affected with APOB-related conditions. ClinVar contains an entry for this variant (Variation ID: 2630949). Invitae Evidence Modeling of protein sequence and biophysical properties (such as structural, functional, and spatial information, amino acid conservation, physicochemical variation, residue mobility, and thermodynamic stability) indicates that this missense variant is not expected to disrupt APOB protein function with a negative predictive value of 95%. In summary, the available evidence is currently insufficient to determine the role of this variant in disease. Therefore, it has been classified as a Variant of Uncertain Significance.

PreventionGenetics, part of Exact Sciences
Classification: Uncertain significance for APOB-related condition. Last evaluated: 2023-08-23. Review status: criteria provided, single submitter. Criteria: ACMG Guidelines, 2015. Collection method: clinical testing. Allele origin: germline.
Comment: The APOB c.13070A>G variant is predicted to result in the amino acid substitution p.His4357Arg. To our knowledge, this variant has not been reported in the literature. This variant is reported in 0.00089% of alleles in individuals of European (Non-Finnish) descent in gnomAD. At this time, the clinical significance of this variant is uncertain due to the absence of conclusive functional and genetic evidence.

NM_000384.3(APOB):c.13070A>G (p.His4357Arg)

Gene: APOB (apolipoprotein B; minus strand). Cytogenetic location: 2p24.1.
Variant type: single nucleotide variant.
Coding change: c.13070A>G on transcript NM_000384.3 (MANE Select); coding-DNA position 13070, A replaced by G.
Protein change: p.His4357Arg; replaces histidine 4357 with arginine.
Molecular consequence: missense variant.
Genome position (GRCh38, 1-based): chr2:21,002,352, T>C on the plus strand (A>G on the coding strand, the complement: APOB is on the minus strand). VCF-style: chr2-21002352-T-C. GRCh37 (hg19) VCF-style: chr2-21225224-T-C.
Other names: short protein forms H4357R.
Identifiers: ClinVar variation 2630949 (VCV002630949.2), dbSNP rs745849591, ClinGen allele CA051793.
Genomic context (GRCh38, chr2:21,002,352, plus strand): 5'-ATCTGCTGTAACTCTTGAGAAGCTTCCTGAAGCTCGTTTTGAATAAATTCATTGAACTTA[T>C]GAAGATTAAGGCATAGGTTTTCTTTCAACAATTTAAAAACATATGGGATATAATCACTGA-3'
Protein context (NP_000375.3, residues 4347-4367): LLKENLCLNL[His4357Arg]KFNEFIQNEL